The following is an entry in ClinVar:

ClinVar aggregate classification (germline): Uncertain significance (1 of 4 stars; one submission).

Submission:

Labcorp Genetics (formerly Invitae), Labcorp
Classification: Uncertain significance. Last evaluated: 2020-08-21. Review status: criteria provided, single submitter. Criteria: Invitae Variant Classification Sherloc (09022015). Collection method: clinical testing. Allele origin: germline.
Comment: In summary, the available evidence is currently insufficient to determine the role of this variant in disease. Therefore, it has been classified as a Variant of Uncertain Significance. Algorithms developed to predict the effect of missense changes on protein structure and function are either unavailable or do not agree on the potential impact of this missense change (SIFT: "Tolerated"; PolyPhen-2: "Probably Damaging"; Align-GVGD: "Class C0"). This variant has been observed in individual(s) with clinical features of primary hyperoxaluria (Invitae). This variant is not present in population databases (ExAC no frequency). This sequence change replaces glutamine with arginine at codon 164 of the AGXT protein (p.Gln164Arg). The glutamine residue is moderately conserved and there is a small physicochemical difference between glutamine and arginine.

NM_000030.3(AGXT):c.491A>G (p.Gln164Arg)

Gene: AGXT (alanine--glyoxylate aminotransferase; plus strand). Cytogenetic location: 2q37.3.
Variant type: single nucleotide variant.
Coding change: c.491A>G on transcript NM_000030.3 (MANE Select); coding-DNA position 491, A replaced by G.
Protein change: p.Gln164Arg; replaces glutamine 164 with arginine.
Molecular consequence: missense variant.
Genome position (GRCh38, 1-based): chr2:240,871,416, A>G. VCF-style: chr2-240871416-A-G. GRCh37 (hg19) VCF-style: chr2-241810833-A-G.
Other names: short protein forms Q164R.
Identifiers: ClinVar variation 936493 (VCV000936493.9), dbSNP rs528938116, ClinGen allele CA351316010.
Genomic context (GRCh38, chr2:240,871,416, plus strand): 5'-CCCAGCACAAGCCAGTGCTGCTGTTCTTAACCCACGGGGAGTCGTCCACCGGCGTGCTGC[A>G]GCCCCTTGATGGCTTCGGGGAACTCTGCCACAGGTGAGCCTGGCCCCAGGGCGGTGGACT-3'
Protein context (NP_000021.1, residues 154-174): THGESSTGVL[Gln164Arg]PLDGFGELCH